The following is an entry in ClinVar:

NM_001367943.1(TCF7L2):c.1204C>A (p.Leu402Met)

Gene: TCF7L2 (transcription factor 7 like 2; plus strand). Cytogenetic location: 10q25.3.
Variant type: single nucleotide variant.
Coding change: c.1204C>A on transcript NM_001367943.1 (MANE Select); coding-DNA position 1204, C replaced by A.
Protein change: p.Leu402Met; replaces leucine 402 with methionine.
Molecular consequence: missense variant.
Genome position (GRCh38, 1-based): chr10:113,152,375, C>A. VCF-style: chr10-113152375-C-A. GRCh37 (hg19) VCF-style: chr10-114912134-C-A.
Other names: c.1204C>A, p.Leu402Met (NM_001146274.2, NM_001198531.2, NM_001363501.2); c.1276C>A, p.Leu426Met (NM_001146283.2); c.1123C>A, p.Leu375Met (NM_001146284.2, NM_001198527.2); c.1135C>A, p.Leu379Met (NM_001146285.2, NM_001146286.2, NM_001198526.2 and 3 more transcripts); c.1150C>A, p.Leu384Met (NM_001198525.2); c.1033C>A, p.Leu345Met (NM_001198530.2); c.775C>A, p.Leu259Met (NM_001349870.2); c.655C>A, p.Leu219Met (NM_001349871.1); short protein forms L219M, L259M, L345M, L375M, L379M, L384M, L402M, L426M.
Identifiers: ClinVar variation 3371648 (VCV003371648.1).

ClinVar aggregate classification (germline): Uncertain significance (1 of 4 stars; one submission).

Submission:

GeneDx
Classification: Uncertain significance. Last evaluated: 2024-03-25. Review status: criteria provided, single submitter. Criteria: GeneDx Variant Classification Process June 2021. Collection method: clinical testing. Allele origin: germline. Affected: yes.
Comment: Not observed at significant frequency in large population cohorts (gnomAD); In silico analysis supports that this missense variant does not alter protein structure/function; Has not been previously published as pathogenic or benign to our knowledge